The following is an entry in ClinVar:

NM_144670.6(A2ML1):c.1106C>T (p.Ser369Phe)

Gene: A2ML1 (alpha-2-macroglobulin like 1; plus strand). Cytogenetic location: 12p13.31.
Variant type: single nucleotide variant.
Coding change: c.1106C>T on transcript NM_144670.6 (MANE Select); coding-DNA position 1106, C replaced by T.
Protein change: p.Ser369Phe; replaces serine 369 with phenylalanine.
Molecular consequence: missense variant.
Genome position (GRCh38, 1-based): chr12:8,841,394, C>T. VCF-style: chr12-8841394-C-T. GRCh37 (hg19) VCF-style: chr12-8993990-C-T.
Other names: short protein forms S369F.
Identifiers: ClinVar variation 5024535 (VCV005024535.1).

ClinVar aggregate classification (germline): Uncertain significance (1 of 4 stars; one submission).

Submission:

Ambry Genetics
Classification: Uncertain significance. Last evaluated: 2026-07-21. Review status: criteria provided, single submitter. Criteria: Ambry Variant Classification Scheme 2023. Collection method: clinical testing. Allele origin: germline.
Comment: The p.S369F variant (also known as c.1106C>T), located in coding exon 11 of the A2ML1 gene, results from a C to T substitution at nucleotide position 1106. The serine at codon 369 is replaced by phenylalanine, an amino acid with highly dissimilar properties. This amino acid position is conserved. In addition, this alteration is predicted to be tolerated by in silico analysis. Based on the available evidence, the clinical significance of this variant remains unclear.